The following is an entry in ClinVar:

ClinVar aggregate classification (germline): Conflicting classifications of pathogenicity. Review status: criteria provided, conflicting classifications (1 of 4 stars). 14 submissions from 14 submitters: Uncertain significance (1); Benign (4); Likely benign (3). 6 of the submissions do not count toward it. Last evaluated 2026-01-28.

Conditions:
VCL-related disorder. Also called: VCL-related condition.
Cardiovascular phenotype. Identifiers: MedGen CN230736.
Dilated cardiomyopathy 1W (CMD1W). Identifiers: Orphanet 154, MedGen C1969639, MONDO:0012667, OMIM 611407.

Allele frequency attached by ClinVar (database versions not stated): ESP Exome Variant Server 0.00015; TOPMed 0.00025; ExAC 0.00026; gnomAD 0.00033 and 0.00034; gnomAD exomes 0.00033 and 0.00063.
gnomAD v4.1: 963 of 1,614,050 alleles (0.06%); highest among the groups gnomAD compares: South Asian, 0.1%; 3 homozygotes.

Submissions (14):

Labcorp Genetics (formerly Invitae), Labcorp
Classification: Benign for Dilated cardiomyopathy 1W. Last evaluated: 2026-01-28. Review status: criteria provided, single submitter. Criteria: Invitae Variant Classification Sherloc (09022015). Collection method: clinical testing. Allele origin: germline.

Blueprint Genetics
Classification: Likely benign. Last evaluated: 2024-10-31. Review status: criteria provided, single submitter. Criteria: ACMG Guidelines, 2015. Collection method: clinical testing. Allele origin: germline.

CeGaT Center for Human Genetics Tuebingen
Classification: Likely benign. Last evaluated: 2024-04-01. Review status: criteria provided, single submitter. Criteria: CeGaT Center For Human Genetics Tuebingen Variant Classification Criteria Version 2. Collection method: clinical testing. Allele origin: germline. Affected: yes. Observed: 1 variant allele.
Comment: VCL: BP4, BP7, BS2

ARUP Laboratories, Molecular Genetics and Genomics, ARUP Laboratories
Classification: Benign. Last evaluated: 2020-03-27. Review status: criteria provided, single submitter. Criteria: ARUP Molecular Germline Variant Investigation Process. Collection method: clinical testing. Allele origin: germline.

Illumina Laboratory Services, Illumina
Classification: Uncertain significance for Dilated cardiomyopathy 1W. Last evaluated: 2018-01-13. Review status: criteria provided, single submitter. Criteria: ICSL Variant Classification Criteria 13 December 2019. Collection method: clinical testing. Allele origin: germline.

Ambry Genetics
Classification: Benign for Cardiovascular phenotype. Last evaluated: 2016-01-11. Review status: criteria provided, single submitter. Criteria: Ambry Variant Classification Scheme 2023. Collection method: clinical testing. Allele origin: germline.

GeneDx
Classification: Benign. Last evaluated: 2015-03-03. Review status: criteria provided, single submitter. Criteria: GeneDx Variant Classification Process June 2021. Collection method: clinical testing. Allele origin: germline. Affected: yes.

Laboratory for Molecular Medicine, Mass General Brigham Personalized Medicine
Classification: Likely benign. Last evaluated: 2012-03-19. Review status: criteria provided, single submitter. Criteria: LMM Criteria. Collection method: clinical testing. Allele origin: germline. Observed: 1 variant allele.
Comment: p.Leu164Leu in Exon 04 of VCL: This variant is not expected to have clinical sig nificance because it does not alter an amino acid residue, is not located within the splice consensus sequence. It has been identified in 2/7020 European Americ an chromosomes from a broad population by the NHLBI Exome Sequencing Project (dbSNP rs143702799).

PreventionGenetics, part of Exact Sciences
Classification: Likely benign for VCL-related condition. Last evaluated: 2019-05-30. Review status: no assertion criteria provided. Collection method: clinical testing. Allele origin: germline. Not counted in ClinVar's aggregate classification.
Comment: This variant is classified as likely benign based on ACMG/AMP sequence variant interpretation guidelines (Richards et al. 2015 PMID: 25741868, with internal and published modifications).

Clinical Genetics DNA and cytogenetics Diagnostics Lab, Erasmus MC, Erasmus Medical Center
Classification: Likely benign. Review status: no assertion criteria provided. Collection method: clinical testing. Allele origin: germline. Affected: yes. Study: VKGL Data-share Consensus. Not counted in ClinVar's aggregate classification.

Clinical Genetics, Academic Medical Center
Classification: Benign. Review status: no assertion criteria provided. Collection method: clinical testing. Allele origin: germline. Affected: yes. Study: VKGL Data-share Consensus. Not counted in ClinVar's aggregate classification.

Diagnostic Laboratory, Department of Genetics, University Medical Center Groningen
Classification: Likely benign. Review status: no assertion criteria provided. Collection method: clinical testing. Allele origin: germline. Affected: yes. Study: VKGL Data-share Consensus. Not counted in ClinVar's aggregate classification.

Genome Diagnostics Laboratory, University Medical Center Utrecht
Classification: Likely benign. Review status: no assertion criteria provided. Collection method: clinical testing. Allele origin: germline. Affected: yes. Study: VKGL Data-share Consensus. Not counted in ClinVar's aggregate classification.

Joint Genome Diagnostic Labs from Nijmegen and Maastricht, Radboudumc and MUMC+
Classification: Likely benign. Review status: no assertion criteria provided. Collection method: clinical testing. Allele origin: germline. Affected: yes. Study: VKGL Data-share Consensus. Not counted in ClinVar's aggregate classification.

NM_014000.3(VCL):c.492T>G (p.Leu164=)

Gene: VCL (vinculin; plus strand). Cytogenetic location: 10q22.2.
Variant type: single nucleotide variant.
Coding change: c.492T>G on transcript NM_014000.3 (MANE Select); coding-DNA position 492, T replaced by G.
Protein change: p.Leu164=; no amino-acid change (leucine 164 retained).
Molecular consequence: synonymous variant.
Genome position (GRCh38, 1-based): chr10:74,071,076, T>G. VCF-style: chr10-74071076-T-G. GRCh37 (hg19) VCF-style: chr10-75830834-T-G.
Other names: c.492T>G, p.Leu164= (NM_003373.4).
Identifiers: ClinVar variation 166536 (VCV000166536.63), dbSNP rs143702799, ClinGen allele CA179597.